The following is an entry in ClinVar:

ClinVar aggregate classification (germline): Uncertain significance (1 of 4 stars; one submission).

Conditions:
Hereditary cancer-predisposing syndrome. Also called: Hereditary Cancer Syndrome; Tumor predisposition; Hereditary neoplastic syndrome; Neoplastic Syndromes, Hereditary. Identifiers: Orphanet 140162, MedGen C0027672, MeSH D009386, MONDO:0015356.

Submission:

Ambry Genetics
Classification: Uncertain significance for Hereditary cancer-predisposing syndrome. Last evaluated: 2024-04-04. Review status: criteria provided, single submitter. Criteria: Ambry Variant Classification Scheme 2023. Collection method: clinical testing. Allele origin: germline.
Comment: The p.D153Y variant (also known as c.457G>T), located in coding exon 2 of the BLM gene, results from a G to T substitution at nucleotide position 457. The aspartic acid at codon 153 is replaced by tyrosine, an amino acid with highly dissimilar properties. This amino acid position is conserved. In addition, this alteration is predicted to be tolerated by in silico analysis. Based on the available evidence, the clinical significance of this variant remains unclear.

NM_000057.4(BLM):c.457G>T (p.Asp153Tyr)

Gene: BLM (BLM RecQ like helicase; plus strand). Cytogenetic location: 15q26.1.
Variant type: single nucleotide variant.
Coding change: c.457G>T on transcript NM_000057.4 (MANE Select); coding-DNA position 457, G replaced by T.
Protein change: p.Asp153Tyr; replaces aspartic acid 153 with tyrosine.
Molecular consequence: missense variant. On other transcripts: 5 prime UTR variant (1).
Genome position (GRCh38, 1-based): chr15:90,749,725, G>T. VCF-style: chr15-90749725-G-T. GRCh37 (hg19) VCF-style: chr15-91292955-G-T.
Other names: c.457G>T, p.Asp153Tyr (NM_001287246.2, NM_001287247.2); c.-835G>T (NM_001287248.2); short protein forms D153Y.
Identifiers: ClinVar variation 3261021 (VCV003261021.1).